The following is an entry in ClinVar:

ClinVar aggregate classification (germline): Uncertain significance (1 of 4 stars; one submission).

Allele frequency attached by ClinVar (database versions not stated): 1000 Genomes Project 30x 0.00016; 1000 Genomes Project 0.00020; ExAC 0.00001; gnomAD exomes 0.00002; TOPMed 0.00004; gnomAD 0.00006 and 0.00007.

Submission:

Labcorp Genetics (formerly Invitae), Labcorp
Classification: Uncertain significance. Last evaluated: 2025-06-12. Review status: criteria provided, single submitter. Criteria: Invitae Variant Classification Sherloc (09022015). Collection method: clinical testing. Allele origin: germline.
Comment: This sequence change replaces threonine, which is neutral and polar, with methionine, which is neutral and non-polar, at codon 515 of the ANLN protein (p.Thr515Met). This variant is present in population databases (rs547427621, gnomAD 0.02%). This variant has not been reported in the literature in individuals affected with ANLN-related conditions. ClinVar contains an entry for this variant (Variation ID: 1383120). Invitae Evidence Modeling of protein sequence and biophysical properties (such as structural, functional, and spatial information, amino acid conservation, physicochemical variation, residue mobility, and thermodynamic stability) indicates that this missense variant is not expected to disrupt ANLN protein function with a negative predictive value of 80%. In summary, the available evidence is currently insufficient to determine the role of this variant in disease. Therefore, it has been classified as a Variant of Uncertain Significance.

NM_018685.5(ANLN):c.1544C>T (p.Thr515Met)

Gene: ANLN (anillin, actin binding protein; plus strand). Cytogenetic location: 7p14.2.
Variant type: single nucleotide variant.
Coding change: c.1544C>T on transcript NM_018685.5 (MANE Select); coding-DNA position 1544, C replaced by T.
Protein change: p.Thr515Met; replaces threonine 515 with methionine.
Molecular consequence: missense variant. On other transcripts: intron variant (2).
Genome position (GRCh38, 1-based): chr7:36,417,101, C>T. VCF-style: chr7-36417101-C-T. GRCh37 (hg19) VCF-style: chr7-36456710-C-T.
Other names: c.1522+1217C>T (NM_001284301.3, NM_001284302.3); short protein forms T515M.
Identifiers: ClinVar variation 1383120 (VCV001383120.8), dbSNP rs547427621, ClinGen allele CA4219646.
Genomic context (GRCh38, chr7:36,417,101, plus strand): 5'-CTTATATATATTAATATGGTCTTTCTTAAACATTTTTAGGTTTCACTGAATGCGAAATGA[C>T]GAAATCTAGCCCTTTGAAAATAACATTGTTTTTAGAAGAGGACAAATCCTTAAAAGTAAC-3'
Protein context (NP_061155.2, residues 505-525): EPKGFTECEM[Thr515Met]KSSPLKITLF